The following is an entry in ClinVar:

NM_001103.4(ACTN2):c.2645C>G (p.Ala882Gly)

Gene: ACTN2 (actinin alpha 2; plus strand). Cytogenetic location: 1q43.
Variant type: single nucleotide variant.
Coding change: c.2645C>G on transcript NM_001103.4 (MANE Select); coding-DNA position 2645, C replaced by G.
Protein change: p.Ala882Gly; replaces alanine 882 with glycine.
Molecular consequence: missense variant. On other transcripts: non-coding transcript variant (1).
Genome position (GRCh38, 1-based): chr1:236,762,579, C>G. VCF-style: chr1-236762579-C-G. GRCh37 (hg19) VCF-style: chr1-236925879-C-G.
Other names: c.2645C>G, p.Ala882Gly (NM_001278343.2); short protein forms A882G.
Identifiers: ClinVar variation 4782774 (VCV004782774.1).

ClinVar aggregate classification (germline): Uncertain significance (1 of 4 stars; one submission).

Conditions:
Primary familial hypertrophic cardiomyopathy (HCM). Identifiers: Orphanet 99739, MedGen C0949658, MeSH D024741, MONDO:0024573. Inheritance: Various modes of inheritance.
Dilated cardiomyopathy 1AA (CMD1AA). Also called: CARDIOMYOPATHY, DILATED, 1AA, WITH OR WITHOUT LEFT VENTRICULAR NONCOMPACTION; CARDIOMYOPATHY, FAMILIAL HYPERTROPHIC, 23, WITH OR WITHOUT LEFT VENTRICULAR NONCOMPACTION; Cardiomyopathy, dilated, 1AA, with or without LVNC. Identifiers: Orphanet 154, MedGen C2677338, MONDO:0012808, OMIM 612158.

Submission:

Labcorp Genetics (formerly Invitae), Labcorp
Classification: Uncertain significance for Primary familial hypertrophic cardiomyopathy; Dilated cardiomyopathy 1AA. Last evaluated: 2025-10-10. Review status: criteria provided, single submitter. Criteria: Invitae Variant Classification Sherloc (09022015). Collection method: clinical testing. Allele origin: germline.
Comment: This sequence change replaces alanine, which is neutral and non-polar, with glycine, which is neutral and non-polar, at codon 882 of the ACTN2 protein (p.Ala882Gly). This variant is not present in population databases (gnomAD no frequency). This variant has not been reported in the literature in individuals affected with ACTN2-related conditions. Invitae Evidence Modeling of protein sequence and biophysical properties (such as structural, functional, and spatial information, amino acid conservation, physicochemical variation, residue mobility, and thermodynamic stability) indicates that this missense variant is not expected to disrupt ACTN2 protein function with a negative predictive value of 80%. Algorithms developed to predict the effect of sequence changes on RNA splicing suggest that this variant may create or strengthen a splice site. In summary, the available evidence is currently insufficient to determine the role of this variant in disease. Therefore, it has been classified as a Variant of Uncertain Significance.